The following is an entry in ClinVar:

ClinVar aggregate classification (germline): Pathogenic/Likely pathogenic. Review status: criteria provided, multiple submitters, no conflicts (2 of 4 stars). 10 submissions from 10 submitters: Pathogenic (8); Likely pathogenic (2). Last evaluated 2026-08-06.

Conditions:
ARSB-related disorder. Also called: ARSB-related condition.
Mucopolysaccharidosis type 6 (MPS6). Also called: ARSB DEFICIENCY; ARYLSULFATASE B DEFICIENCY; MPS 6; Maroteaux Lamy syndrome; MPS VI; N-ACETYLGALACTOSAMINE-4-SULFATASE DEFICIENCY. Identifiers: Orphanet 583, MedGen C0026709, MONDO:0009661, OMIM 253200.

Allele frequency attached by ClinVar (database versions not stated): ExAC 0.00002; gnomAD exomes 0.00001.
gnomAD v4.1: 10 of 1,614,138 alleles (0.00062%); highest among the groups gnomAD compares: South Asian, 0.0011%; no homozygotes.

Submissions (10):

OLLIN Analises Genomicas, OLLIN
Classification: Pathogenic for Mucopolysaccharidosis type 6. Last evaluated: 2026-08-06. Review status: criteria provided, single submitter. Criteria: ACMG Guidelines 2015 PMID 25741868. Collection method: clinical testing. Allele origin: germline. Inheritance: Autosomal recessive inheritance.
Comment: This missense variant, located in exon 5 (of 8), has been reported in ClinVar (accession VCV000559829.5) and in gnomAD with an allele frequency of 0.00062%. However, to our knowledge, it has not been reported in the scientific literature. Functional studies suggest that this variant may affect protein function, and in silico analysis predicts a deleterious effect. This variant is located in a region considered to be a mutational hotspot. According to the currently available evidence, this variant has been classified as pathogenic (PS3_P, PM1, PM2_P, PM3_VS, PP3_S).

Labcorp Genetics (formerly Invitae), Labcorp
Classification: Pathogenic for Mucopolysaccharidosis type 6. Last evaluated: 2025-12-08. Review status: criteria provided, single submitter. Criteria: Invitae Variant Classification Sherloc (09022015). Collection method: clinical testing. Allele origin: germline.
Comment: This sequence change replaces arginine, which is basic and polar, with glutamine, which is neutral and polar, at codon 315 of the ARSB protein (p.Arg315Gln). This variant is present in population databases (rs727503809, gnomAD 0.002%). This missense change has been observed in individual(s) with mucopolysaccharidosis type VI (PMID: 10036316, 17161971, 17458871, 26937411). In at least one individual the data is consistent with being in trans (on the opposite chromosome) from a pathogenic variant. ClinVar contains an entry for this variant (Variation ID: 166694). Invitae Evidence Modeling of protein sequence and biophysical properties (such as structural, functional, and spatial information, amino acid conservation, physicochemical variation, residue mobility, and thermodynamic stability) indicates that this missense variant is expected to disrupt ARSB protein function with a positive predictive value of 95%. Experimental studies have shown that this missense change affects ARSB function (PMID: 17161971). For these reasons, this variant has been classified as Pathogenic.

PreventionGenetics, part of Exact Sciences
Classification: Pathogenic for ARSB-related condition. Last evaluated: 2025-09-13. Review status: criteria provided, single submitter. Criteria: ACMG Guidelines, 2015. Collection method: clinical testing. Allele origin: germline.
Comment: The ARSB c.944G>A variant is predicted to result in the amino acid substitution p.Arg315Gln. This variant has been reported in the homozygous or compound heterozygous state in multiple individuals with mucopolysaccharidosis VI (see for example, Villani et al. 1999. PubMed ID: 10036316; Petry et al. 2005. PubMed ID: 16435196; Honjo et al. 2020. PubMed ID: 32075597; Andrade et al. 2022. PubMed ID: 35078524). This variant is reported in 0.0018% of alleles in individuals of European (Non-Finnish) descent in gnomAD. This variant is interpreted as pathogenic.

Fulgent Genetics
Classification: Pathogenic for Mucopolysaccharidosis type 6. Last evaluated: 2024-06-11. Review status: criteria provided, single submitter. Criteria: ACMG Guidelines, 2015. Collection method: clinical testing. Allele origin: germline.

Natera, Inc.
Classification: Pathogenic for Mucopolysaccharidosis type VI. Last evaluated: 2024-05-24. Review status: criteria provided, single submitter. Criteria: Natera Variant Classification Schema (03/2026). Collection method: clinical testing. Allele origin: germline.
Comment: The c.944G>A variant in ARSB is a missense variant predicted to cause substitution of arginine to glutamine at amino acid 315. This variant is rare in the general population with a frequency below the threshold expected for the associated phenotype(s). This variant has been observed in one or more individuals affected with the associated recessive disease, as either homozygous or compound heterozygous with a second variant (PMID: 30809705, 32075597, 17458871). Given the available evidence, this variant is classified as Pathogenic.

Women's Health and Genetics/Laboratory Corporation of America, LabCorp
Classification: Pathogenic for Mucopolysaccharidosis type 6. Last evaluated: 2021-04-14. Review status: criteria provided, single submitter. Criteria: LabCorp Variant Classification Summary - May 2015. Collection method: clinical testing. Allele origin: germline.
Comment: Variant summary: ARSB c.944G>A (p.Arg315Gln) results in a conservative amino acid change located in the Sulfatase, N-terminal domain (IPR000917) of the encoded protein sequence. Four of five in-silico tools predict a damaging effect of the variant on protein function. The variant allele was found at a frequency of 7.9e-06 in 251738 control chromosomes (gnomAD and publication data). c.944G>A has been reported in the literature in multiple individuals affected with Mucopolysaccharidosis Type VI (Maroteaux-Lamy Syndrome) (Villani_1999, Karageorgos_2004, Karageorgos_2006, Garrido_2007, Zanetti_2009, Honjo_2020). These data indicate that the variant is very likely to be associated with disease. Functional studies report experimental evidence evaluating an impact on protein function and the variant effect results in decreasing ARSB protein and activity (Karageorgos_2004, Karageorgos_2006). Two ClinVar submitters (evaluation after 2014) cite the variant as likely pathogenic. Based on the evidence outlined above, the variant was classified as pathogenic.

SIB Swiss Institute of Bioinformatics
Classification: Likely pathogenic for Mucopolysaccharidosis type 6. Last evaluated: 2018-04-16. Review status: criteria provided, single submitter. Criteria: ACMG Guidelines, 2015. Collection method: curation. Allele origin: germline.
Comment: This variant is interpreted as a Likely Pathogenic, for Mucopolysaccharidosis type VI, Autosomal Recessive inheritance. The following ACMG Tag(s) were applied: PP3 => Multiple lines of computational evidence support a deleterious effect on the gene or gene product. PM3 => For recessive disorders, detected in trans with a pathogenic variant (PMID:16435196). PM2 => Absent from controls (or at extremely low frequency if recessive) in Exome Sequencing Project, 1000 Genomes Project, or Exome Aggregation Consortium. PS4-Moderate => PS4 downgraded in strength to Moderate (PMID:16435196) (PMID:19259130) (PMID:14974081).

Laboratory of Diagnosis and Therapy of Lysosomal Disorders, University of Padova
Classification: Likely pathogenic for Mucopolysaccharidosis type 6. Last evaluated: 2018-01-01. Review status: criteria provided, single submitter. Criteria: ACMG Guidelines, 2015. Collection method: curation. Allele origin: germline. Affected: yes.
Comment: In vitro functional studies supportive of a damaging effect on the gene product (low to no ARSB activity in homozygotes; PS3); Very low frequency in ExAC (PM2); Reputable source identifies as pathogenic (PP5)

Eurofins Ntd Llc (ga)
Classification: Pathogenic. Last evaluated: 2014-02-14. Review status: criteria provided, single submitter. Criteria: EGL Classification Definitions 2015. Collection method: clinical testing. Allele origin: germline. Observed: 1 variant allele, 1 homozygote.

Neuberg Centre For Genomic Medicine, NCGM
Classification: Pathogenic for Mucopolysaccharidosis type 6. Review status: criteria provided, single submitter. Criteria: ACMG Guidelines, 2015. Collection method: clinical testing. Allele origin: germline. Inheritance: Autosomal recessive inheritance. Affected: yes.

Literature cited by the submitters: PubMed 10036316 (cited by 3 submitters); PubMed 17161971 (cited by Labcorp Genetics (formerly Invitae), Labcorp and Women's Health and Genetics/Laboratory Corporation of America, LabCorp); PubMed 17458871 (cited by 3 submitters); PubMed 26937411 (cited by Labcorp Genetics (formerly Invitae), Labcorp); PubMed 30809705 (cited by Natera, Inc.); PubMed 32075597 (cited by Natera, Inc. and Women's Health and Genetics/Laboratory Corporation of America, LabCorp); PubMed 14974081 (cited by Women's Health and Genetics/Laboratory Corporation of America, LabCorp and SIB Swiss Institute of Bioinformatics); PubMed 17643332 (cited by Women's Health and Genetics/Laboratory Corporation of America, LabCorp and Laboratory of Diagnosis and Therapy of Lysosomal Disorders, University of Padova); PubMed 19259130 (cited by 3 submitters); PubMed 16435196 (cited by SIB Swiss Institute of Bioinformatics and Laboratory of Diagnosis and Therapy of Lysosomal Disorders, University of Padova); PubMed 30118150 (cited by Laboratory of Diagnosis and Therapy of Lysosomal Disorders, University of Padova).

NM_000046.5(ARSB):c.944G>A (p.Arg315Gln)

Gene: ARSB (arylsulfatase B; minus strand). Cytogenetic location: 5q14.1.
Variant type: single nucleotide variant.
Coding change: c.944G>A on transcript NM_000046.5 (MANE Select); coding-DNA position 944, G replaced by A.
Protein change: p.Arg315Gln; replaces arginine 315 with glutamine.
Molecular consequence: missense variant.
Genome position (GRCh38, 1-based): chr5:78,885,782, C>T on the plus strand (G>A on the coding strand, the complement: ARSB is on the minus strand). VCF-style: chr5-78885782-C-T. GRCh37 (hg19) VCF-style: chr5-78181605-C-T.
Other names: NM_000046.3:c.944G>A(p.Arg315Gln); NM_198709.2:c.944G>A(p.Arg315Gln); c.944G>A, p.Arg315Gln (NM_198709.3); short protein forms R315Q.
Identifiers: ClinVar variation 166694 (VCV000166694.22), dbSNP rs727503809, ClinGen allele CA233482.